The following is an entry in ClinVar:

NM_000061.3(BTK):c.334dup (p.Tyr112fs)

Gene: BTK (Bruton tyrosine kinase; minus strand). Cytogenetic location: Xq22.1.
Variant type: Duplication.
Coding change: c.334dup on transcript NM_000061.3 (MANE Select); coding-DNA position 334, one base duplicated (T; older notation c.334dupT).
Protein change: p.Tyr112fs; shifts the reading frame from tyrosine 112.
Molecular consequence: frameshift variant.
Genome position (GRCh38, 1-based): chrX:101,370,055, A duplicated on the plus strand (T on the coding strand, the reverse complement: BTK is on the minus strand). VCF-style (leftmost placement, unchanged base first): chrX-101370054-T-TA. GRCh37 (hg19) VCF-style: chrX-100625042-T-TA.
Other names: c.436dup, p.Tyr146fs (NM_001287344.2); c.334dup, p.Tyr112fs (NM_001287345.2); short protein forms Y112fs, Y146fs.
Identifiers: ClinVar variation 3653740 (VCV003653740.2).

ClinVar aggregate classification (germline): Pathogenic (1 of 4 stars; one submission).

Conditions:
X-linked agammaglobulinemia with growth hormone deficiency (IGHD3). Also called: AGAMMAGLOBULINEMIA AND ISOLATED GROWTH HORMONE DEFICIENCY, X-LINKED; FLEISHER SYNDROME; HYPOGAMMAGLOBULINEMIA AND ISOLATED GROWTH HORMONE DEFICIENCY, X-LINKED; IGHD III; ISOLATED GROWTH HORMONE DEFICIENCY, TYPE III, WITH AGAMMAGLOBULINEMIA; Isolated growth hormone deficiency type 3. Identifiers: Orphanet 231692, Orphanet 631, MedGen C0472813, MONDO:0010615, OMIM 307200.

Submission:

Labcorp Genetics (formerly Invitae), Labcorp
Classification: Pathogenic for X-linked agammaglobulinemia with growth hormone deficiency. Last evaluated: 2024-05-17. Review status: criteria provided, single submitter. Criteria: Invitae Variant Classification Sherloc (09022015). Collection method: clinical testing. Allele origin: germline.
Comment: This sequence change creates a premature translational stop signal (p.Tyr112Leufs*7) in the BTK gene. It is expected to result in an absent or disrupted protein product. Loss-of-function variants in BTK are known to be pathogenic (PMID: 15661032, 16862044, 19419768). This variant is not present in population databases (gnomAD no frequency). This variant has not been reported in the literature in individuals affected with BTK-related conditions. For these reasons, this variant has been classified as Pathogenic.

Literature cited by the submitters: PubMed 15661032; PubMed 16862044; PubMed 19419768.